The following is an entry in ClinVar:

ClinVar aggregate classification (germline): Pathogenic (1 of 4 stars; one submission).

Conditions:
3-methylglutaconic aciduria type 5. Also called: MGA, TYPE V; 3 alpha methylglutaconic aciduria type V; MGA 5; CARDIOMYOPATHY, DILATED, WITH ATAXIA. Identifiers: Orphanet 66634, MedGen C1857776, MONDO:0012435, OMIM 610198.

Submission:

Labcorp Genetics (formerly Invitae), Labcorp
Classification: Pathogenic for 3-methylglutaconic aciduria type 5. Last evaluated: 2024-03-16. Review status: criteria provided, single submitter. Criteria: Invitae Variant Classification Sherloc (09022015). Collection method: clinical testing. Allele origin: germline.
Comment: This sequence change creates a premature translational stop signal (p.Pro41Glnfs*18) in the DNAJC19 gene. It is expected to result in an absent or disrupted protein product. Loss-of-function variants in DNAJC19 are known to be pathogenic (PMID: 16055927, 27928778). This variant is not present in population databases (gnomAD no frequency). This variant has not been reported in the literature in individuals affected with DNAJC19-related conditions. For these reasons, this variant has been classified as Pathogenic.

Literature cited by the submitters: PubMed 16055927; PubMed 27928778.

NM_145261.4(DNAJC19):c.122del (p.Pro41fs)

Gene: DNAJC19 (DnaJ heat shock protein family (Hsp40) member C19; minus strand). Cytogenetic location: 3q26.33.
Variant type: Deletion.
Coding change: c.122del on transcript NM_145261.4 (MANE Select); coding-DNA position 122, one base deleted (C; older notation c.122delC).
Protein change: p.Pro41fs; shifts the reading frame from proline 41.
Molecular consequence: frameshift variant. On other transcripts: non-coding transcript variant (3).
Genome position (GRCh38, 1-based): chr3:180,988,030, G deleted on the plus strand (C on the coding strand, the reverse complement: DNAJC19 is on the minus strand); the first of 2 consecutive G bases (chr3:180,988,030-180,988,031); deleting either gives the same sequence. VCF-style (leftmost placement, unchanged base first): chr3-180988029-TG-T. GRCh37 (hg19) VCF-style: chr3-180705817-TG-T.
Other names: c.47del, p.Pro16fs (NM_001190233.2); short protein forms P16fs, P41fs.
Identifiers: ClinVar variation 3646339 (VCV003646339.2).